The following is an entry in ClinVar:

ClinVar aggregate classification (germline): Pathogenic (1 of 4 stars; one submission).

Conditions:
Duchenne muscular dystrophy (DMD). Also called: Duchenne Muscular Dystrophy (DMD); MUSCULAR DYSTROPHY, PSEUDOHYPERTROPHIC PROGRESSIVE, DUCHENNE TYPE. Identifiers: Orphanet 98896, MedGen C0013264, MONDO:0010679, OMIM 310200.

Submission:

Labcorp Genetics (formerly Invitae), Labcorp
Classification: Pathogenic for Duchenne muscular dystrophy. Last evaluated: 2017-09-26. Review status: criteria provided, single submitter. Criteria: Invitae Variant Classification Sherloc (09022015). Collection method: clinical testing. Allele origin: germline.
Comment: For these reasons, this variant has been classified as Pathogenic. A similar deletion of exons 14-30 has been reported in an individual affected with Duchenne muscular dystrophy (PMID: 25972034). Additionally, smaller in-frame deletions within the region encompassed by this variant have also been reported in individuals affected with Duchenne muscular dystrophy (PMID: 17259292, 23453023). This variant is an in-frame deletion of the genomic region encompassing exons 14-30 of the DMD gene. It preserves the integrity of the reading frame.

Literature cited by the submitters: PubMed 25972034; PubMed 17259292; PubMed 23453023.

NC_000023.11:g.(?_32411732)_(32573866_?)del

Gene: DMD (dystrophin; minus strand). Cytogenetic location: Xp21.1.
Variant type: Deletion.
Identifiers: ClinVar variation 526160 (VCV000526160.8).